The following is an entry in ClinVar:

ClinVar aggregate classification (germline): Uncertain significance (1 of 4 stars; one submission).

Conditions:
Arthrogryposis, distal, type 1A. Also called: ARTHROGRYPOSIS MULTIPLEX CONGENITA, DISTAL, TYPE I. Identifiers: Orphanet 1146, MedGen C6022280, MONDO:0007157, OMIM 108120.

Allele frequency attached by ClinVar (database versions not stated): TOPMed 0.00001.

Submission:

Labcorp Genetics (formerly Invitae), Labcorp
Classification: Uncertain significance for Arthrogryposis, distal, type 1A. Last evaluated: 2022-11-18. Review status: criteria provided, single submitter. Criteria: Invitae Variant Classification Sherloc (09022015). Collection method: clinical testing. Allele origin: germline.
Comment: This sequence change replaces leucine, which is neutral and non-polar, with valine, which is neutral and non-polar, at codon 193 of the TPM2 protein (p.Leu193Val). In summary, the available evidence is currently insufficient to determine the role of this variant in disease. Therefore, it has been classified as a Variant of Uncertain Significance. Advanced modeling of protein sequence and biophysical properties (such as structural, functional, and spatial information, amino acid conservation, physicochemical variation, residue mobility, and thermodynamic stability) performed at Invitae indicates that this missense variant is expected to disrupt TPM2 protein function. This variant has not been reported in the literature in individuals affected with TPM2-related conditions. This variant is not present in population databases (gnomAD no frequency).

NM_003289.4(TPM2):c.577C>G (p.Leu193Val)

Gene: TPM2 (tropomyosin 2; minus strand). Cytogenetic location: 9p13.3.
Variant type: single nucleotide variant.
Coding change: c.577C>G on transcript NM_003289.4 (MANE Select); coding-DNA position 577, C replaced by G.
Protein change: p.Leu193Val; replaces leucine 193 with valine.
Molecular consequence: missense variant. On other transcripts: intron variant (2).
Genome position (GRCh38, 1-based): chr9:35,684,794, G>C on the plus strand (C>G on the coding strand, the complement: TPM2 is on the minus strand). VCF-style: chr9-35684794-G-C. GRCh37 (hg19) VCF-style: chr9-35684791-G-C.
Other names: c.577C>G, p.Leu193Val (NM_001301226.2); c.640-244C>G (NM_213674.1, NM_001301227.2); short protein forms L193V.
Identifiers: ClinVar variation 2815106 (VCV002815106.3), dbSNP rs1197396914, ClinGen allele CA373365512.